The following is an entry in ClinVar:

NM_153026.3(PRICKLE1):c.1012A>G (p.Lys338Glu)

Genes: PRICKLE1 (prickle planar cell polarity protein 1; minus strand), LOC126861509 (BRD4-independent group 4 enhancer GRCh37_chr12:42858567-42859766; plus strand). Cytogenetic location: 12q12.
Variant type: single nucleotide variant.
Coding change: c.1012A>G on transcript NM_153026.3 (MANE Select); coding-DNA position 1012, A replaced by G.
Protein change: p.Lys338Glu; replaces lysine 338 with glutamic acid.
Molecular consequence: missense variant.
Genome position (GRCh38, 1-based): chr12:42,465,022, T>C on the plus strand (A>G on the coding strand, the complement: PRICKLE1 is on the minus strand). VCF-style: chr12-42465022-T-C. GRCh37 (hg19) VCF-style: chr12-42858824-T-C.
Other names: c.1012A>G, p.Lys338Glu (NM_001144881.2, NM_001144882.2, NM_001144883.2); short protein forms K338E.
Identifiers: ClinVar variation 1059366 (VCV001059366.13), dbSNP rs1328763941, ClinGen allele CA384442659.

ClinVar aggregate classification (germline): Uncertain significance. Review status: criteria provided, multiple submitters, no conflicts (2 of 4 stars). 3 submissions from 3 submitters: Uncertain significance (3). Last evaluated 2022-10-18.

Conditions:
Epilepsy, progressive myoclonic, 1B. Also called: PME. Identifiers: Orphanet 308, MedGen C2676254, MONDO:0012904, OMIM 612437.

Allele frequency attached by ClinVar (database versions not stated): gnomAD exomes below 0.00001; gnomAD 0.00001; TOPMed 0.00001.
gnomAD v4.1: 3 of 1,601,006 alleles (0.00019%); highest among the groups gnomAD compares: African/African-American, 0.004%; no homozygotes.

Submissions (3):

Labcorp Genetics (formerly Invitae), Labcorp
Classification: Uncertain significance for Epilepsy, progressive myoclonic, 1B. Last evaluated: 2022-10-18. Review status: criteria provided, single submitter. Criteria: Invitae Variant Classification Sherloc (09022015). Collection method: clinical testing. Allele origin: germline.
Comment: ClinVar contains an entry for this variant (Variation ID: 1059366). This variant has not been reported in the literature in individuals affected with PRICKLE1-related conditions. This variant is present in population databases (no rsID available, gnomAD 0.008%). This sequence change replaces lysine, which is basic and polar, with glutamic acid, which is acidic and polar, at codon 338 of the PRICKLE1 protein (p.Lys338Glu). Advanced modeling of protein sequence and biophysical properties (such as structural, functional, and spatial information, amino acid conservation, physicochemical variation, residue mobility, and thermodynamic stability) performed at Invitae indicates that this missense variant is not expected to disrupt PRICKLE1 protein function. In summary, the available evidence is currently insufficient to determine the role of this variant in disease. Therefore, it has been classified as a Variant of Uncertain Significance.

New York Genome Center
Classification: Uncertain significance for Epilepsy, progressive myoclonic, 1B. Last evaluated: 2021-04-30. Review status: criteria provided, single submitter. Criteria: NYGC Assertion Criteria 2020. Collection method: clinical testing. Allele origin: germline. Observed: 1 heterozygote. Study: CSER-NYCKidSeq.
Comment: The c.1012A>G (p.Lys338Glu) variant identified in the PRICKLE1 gene substitutes a well conserved Lysine for Glutamic Acid at amino acid 338/832 (exon 7/8). This variant is found with low frequency in gnomAD(v3.0) (2 heterozygotes, 0 homozygotes; allele frequency: 1.31e-5) suggesting it is not a common benign variant in the populations represented in that database. In silico algorithms predict this variant to be Damaging (SIFT; score:0.025) and Benign (REVEL; score: 0.169) to the function of the canonical transcript. This variant is absent from ClinVar and to our current knowledge has not been reported in any affected individuals in the literature. The p.Lys338 residue is not within a mapped domain of PRICKLE1 (UniProtKB:Q96MT3). Given the lack of compelling evidence for its pathogenicity, the c.1012A>G (p.Lys338Glu) variant identified in the PRICKLE1 gene is reported as a Variant of Uncertain Significance.

Breakthrough Genomics
Classification: Uncertain significance. Review status: criteria provided, single submitter. Criteria: ACMG Guidelines, 2015. Collection method: not provided. Allele origin: germline. Inheritance: Autosomal recessive inheritance. Affected: yes.